The following is an entry in ClinVar:

NM_002528.7(NTHL1):c.792-4A>C

Gene: NTHL1 (nth like DNA glycosylase 1; minus strand). Cytogenetic location: 16p13.3.
Variant type: single nucleotide variant.
Coding change: c.792-4A>C on transcript NM_002528.7 (MANE Select); 4 bases into the intron before coding-DNA position 792, A replaced by C.
Molecular consequence: intron variant.
Genome position (GRCh38, 1-based): chr16:2,040,051, T>G on the plus strand (A>C on the coding strand, the complement: NTHL1 is on the minus strand). VCF-style: chr16-2040051-T-G. GRCh37 (hg19) VCF-style: chr16-2090052-T-G.
Other names: c.462-4A>C (NM_001318194.2); c.621-4A>C (NM_001318193.2).
Identifiers: ClinVar variation 1762239 (VCV001762239.2), dbSNP rs2548311558, ClinGen allele CA2548501382.

ClinVar aggregate classification (germline): Uncertain significance (1 of 4 stars; one submission).

Conditions:
Hereditary cancer-predisposing syndrome. Also called: Neoplastic Syndromes, Hereditary; Tumor predisposition; Hereditary Cancer Syndrome; Hereditary neoplastic syndrome. Identifiers: Orphanet 140162, MedGen C0027672, MeSH D009386, MONDO:0015356.

Submission:

Ambry Genetics
Classification: Uncertain significance for Hereditary cancer-predisposing syndrome. Last evaluated: 2021-09-09. Review status: criteria provided, single submitter. Criteria: Ambry Variant Classification Scheme 2023. Collection method: clinical testing. Allele origin: germline.
Comment: The c.816-4A>C intronic variant results from an A to C substitution 4 nucleotides upstream from coding exon 6 in the NTHL1 gene. This nucleotide position is well conserved in available vertebrate species. In silico splice site analysis predicts that this alteration will not have any significant effect on splicing. Since supporting evidence is limited at this time, the clinical significance of this alteration remains unclear.